The following is an entry in ClinVar:

NM_015295.3(SMCHD1):c.3276+4_3276+7del

Gene: SMCHD1 (structural maintenance of chromosomes flexible hinge domain containing 1; plus strand). Cytogenetic location: 18p11.32.
Variant type: Microsatellite.
Coding change: c.3276+4_3276+7del on transcript NM_015295.3 (MANE Select); bases 4 to 7 of the intron after coding-DNA position 3276, 4 bases deleted (AGTA; older notation c.3276+4_3276+7delAGTA).
Molecular consequence: splice donor variant.
Genome position (GRCh38, 1-based): chr18:2,732,496-2,732,499, AGTA deleted; deleting any 4 consecutive bases within chr18:2,732,491-2,732,499 gives the same sequence; the c. name uses the placement nearest the transcript's 3' end. VCF-style (leftmost placement, unchanged base first): chr18-2732490-AAAGT-A. GRCh37 (hg19) VCF-style: chr18-2732488-AAAGT-A.
Identifiers: ClinVar variation 847951 (VCV000847951.12), dbSNP rs2075161499, ClinGen allele CA916083630.
Genomic context (GRCh38, chr18:2,732,490, plus strand): 5'-CAAATGTATGATGAAGGAGAAAGAGAAATCAATATAACATCAGCTTTAGCAGAAAAAATT[AAAGT>A]AAGTATCTCTAACAGATTGGTTATTTGTAAGAACTTTTTAAATTTTATGTTTGTAAGACT-3'

ClinVar aggregate classification (germline): Pathogenic/Likely pathogenic. Review status: criteria provided, multiple submitters, no conflicts (2 of 4 stars). 2 submissions from 2 submitters: Pathogenic (1); Likely pathogenic (1). Last evaluated 2024-03-11.

Conditions:
Facioscapulohumeral muscular dystrophy 2 (FSHD2). Also called: MUSCULAR DYSTROPHY, FACIOSCAPULOHUMERAL, TYPE 1B; FACIOSCAPULOHUMERAL MUSCULAR DYSTROPHY 2, DIGENIC; FSHD2, DIGENIC. Identifiers: Orphanet 269, MedGen C1834671, MONDO:0008031, OMIM 158901.

Submissions (2):

Labcorp Genetics (formerly Invitae), Labcorp
Classification: Likely pathogenic for Facioscapulohumeral muscular dystrophy 2. Last evaluated: 2024-03-11. Review status: criteria provided, single submitter. Criteria: Invitae Variant Classification Sherloc (09022015). Collection method: clinical testing. Allele origin: germline.
Comment: This sequence change falls in intron 25 of the SMCHD1 gene. It does not directly change the encoded amino acid sequence of the SMCHD1 protein. It affects a nucleotide within the consensus splice site. This variant is not present in population databases (gnomAD no frequency). This variant has been observed in individual(s) with fascioscapulohumeral muscular dystrophy (PMID: 25256356). ClinVar contains an entry for this variant (Variation ID: 847951). Variants that disrupt the consensus splice site are a relatively common cause of aberrant splicing (PMID: 17576681, 9536098). Algorithms developed to predict the effect of sequence changes on RNA splicing suggest that this variant may disrupt the consensus splice site. In summary, the currently available evidence indicates that the variant is pathogenic, but additional data are needed to prove that conclusively. Therefore, this variant has been classified as Likely Pathogenic.

Revvity Omics, Revvity
Classification: Pathogenic. Last evaluated: 2022-05-25. Review status: criteria provided, single submitter. Criteria: ACMG Guidelines, 2015. Collection method: clinical testing. Allele origin: germline.

Literature cited by the submitters: PubMed 25256356 (cited by Labcorp Genetics (formerly Invitae), Labcorp); PubMed 17576681 (cited by Labcorp Genetics (formerly Invitae), Labcorp); PubMed 9536098 (cited by Labcorp Genetics (formerly Invitae), Labcorp).